The following is an entry in ClinVar:

ClinVar aggregate classification (germline): Uncertain significance (1 of 4 stars; one submission).

Conditions:
Hypogonadotropic hypogonadism 7 with or without anosmia (HH7). Also called: HYPOGONADOTROPIC HYPOGONADISM 7 WITHOUT ANOSMIA; GNRHR-Related GnRH Deficiency. Identifiers: Orphanet 432, MedGen C0342384, MONDO:0007794, OMIM 146110.

Submission:

Juno Genomics, Hangzhou Juno Genomics, Inc
Classification: Uncertain significance for Hypogonadotropic hypogonadism 7 with or without anosmia. Review status: criteria provided, single submitter. Criteria: ACMG Guidelines, 2015. Collection method: clinical testing. Allele origin: germline.
Comment: Null variant in a gene where loss of function (LOF) is a known mechanism of disease.;Absent from controls (or at extremely low frequency if recessive) in Genome Aggregation Database.

NM_000406.3(GNRHR):c.742G>T (p.Glu248Ter)

Gene: GNRHR (gonadotropin releasing hormone receptor; minus strand). Cytogenetic location: 4q13.2.
Variant type: single nucleotide variant.
Coding change: c.742G>T on transcript NM_000406.3 (MANE Select); coding-DNA position 742, G replaced by T.
Protein change: p.Glu248Ter; replaces glutamic acid 248 with a stop codon.
Molecular consequence: nonsense. On other transcripts: missense variant (1).
Genome position (GRCh38, 1-based): chr4:67,744,568, C>A on the plus strand (G>T on the coding strand, the complement: GNRHR is on the minus strand). VCF-style: chr4-67744568-C-A. GRCh37 (hg19) VCF-style: chr4-68610286-C-A.
Other names: c.614G>T, p.Arg205Leu (NM_001012763.2); short protein forms R205L, E248*.
Identifiers: ClinVar variation 5006790 (VCV005006790.2).